The following is an entry in ClinVar:

ClinVar aggregate classification (germline): Benign/Likely benign. Review status: criteria provided, multiple submitters, no conflicts (2 of 4 stars). 3 submissions from 3 submitters: Benign (1); Likely benign (2). Last evaluated 2025-05-06.

Conditions:
Hereditary cancer-predisposing syndrome. Also called: Neoplastic Syndromes, Hereditary; Hereditary Cancer Syndrome; Tumor predisposition; Hereditary neoplastic syndrome. Identifiers: Orphanet 140162, MedGen C0027672, MeSH D009386, MONDO:0015356.
Multiple endocrine neoplasia, type 2 (MEN2). Identifiers: Orphanet 653, MedGen C4048306, MONDO:0019003. Disease mechanism: gain of function.
Multiple endocrine neoplasia type 2A. Also called: MULTIPLE ENDOCRINE NEOPLASIA, TYPE IIA; PTC SYNDROME; SIPPLE SYNDROME; MEN 2A; MEN-2A syndrome; Pheochromocytoma and amyloid producing medullary thyroid carcinoma. Identifiers: Orphanet 247698, Orphanet 653, MedGen C0025268, MeSH D018813, MONDO:0008234, OMIM 171400.

Submissions (3):

Labcorp Genetics (formerly Invitae), Labcorp
Classification: Likely benign for Multiple endocrine neoplasia, type 2. Last evaluated: 2025-05-06. Review status: criteria provided, single submitter. Criteria: Invitae Variant Classification Sherloc (09022015). Collection method: clinical testing. Allele origin: germline.

Myriad Genetics, Inc.
Classification: Benign for Multiple endocrine neoplasia type 2A. Last evaluated: 2025-02-26. Review status: criteria provided, single submitter. Criteria: Myriad Autosomal Dominant, Autosomal Recessive and X-Linked Classification Criteria (2023). Collection method: clinical testing. Allele origin: unknown.
Comment: This variant is considered benign. This variant is a silent/synonymous amino acid change and it is not expected to impact splicing.

Ambry Genetics
Classification: Likely benign for Hereditary cancer-predisposing syndrome. Last evaluated: 2023-03-06. Review status: criteria provided, single submitter. Criteria: Ambry Variant Classification Scheme 2023. Collection method: clinical testing. Allele origin: germline.

NM_020975.6(RET):c.2394C>T (p.Gly798=)

Gene: RET (ret proto-oncogene; plus strand). Cytogenetic location: 10q11.21.
Variant type: single nucleotide variant.
Coding change: c.2394C>T on transcript NM_020975.6 (MANE Select); coding-DNA position 2394, C replaced by T.
Protein change: p.Gly798=; no amino-acid change (glycine 798 retained).
Molecular consequence: synonymous variant.
Genome position (GRCh38, 1-based): chr10:43,119,532, C>T. VCF-style: chr10-43119532-C-T. GRCh37 (hg19) VCF-style: chr10-43614980-C-T.
Other names: c.2394C>T, p.Gly798= (NM_000323.2, NM_001406743.1, NM_001406744.1 and 4 more transcripts); c.1632C>T, p.Gly544= (NM_001355216.2); c.2265C>T, p.Gly755= (NM_001406761.1, NM_001406762.1, NM_001406764.1); c.2259C>T, p.Gly753= (NM_001406763.1, NM_001406765.1); c.2106C>T, p.Gly702= (NM_001406766.1, NM_001406767.1, NM_001406770.1); c.2130C>T, p.Gly710= (NM_001406768.1); c.1998C>T, p.Gly666= (NM_001406769.1, NM_001406772.1); c.1956C>T, p.Gly652= (NM_001406771.1, NM_001406773.1); and 10 more.
Identifiers: ClinVar variation 1933040 (VCV001933040.8), dbSNP rs1838152776, ClinGen allele CA469479686.